The following is an entry in ClinVar:

ClinVar aggregate classification (germline): Uncertain significance (1 of 4 stars; one submission).

Conditions:
Cystic fibrosis (CF). Also called: MUCOVISCIDOSIS. Identifiers: Orphanet 586, MedGen C0010674, MONDO:0009061, OMIM 219700. Disease mechanism: loss of function.

Submission:

Ambry Genetics
Classification: Uncertain significance for Cystic fibrosis. Last evaluated: 2024-07-07. Review status: criteria provided, single submitter. Criteria: Ambry Variant Classification Scheme 2023. Collection method: clinical testing. Allele origin: germline.
Comment: The p.D806Y variant (also known as c.2416G>T), located in coding exon 14 of the CFTR gene, results from a G to T substitution at nucleotide position 2416. The aspartic acid at codon 806 is replaced by tyrosine, an amino acid with highly dissimilar properties. This amino acid position is conserved. In addition, this alteration is predicted to be deleterious by in silico analysis. Based on the available evidence, the clinical significance of this variant remains unclear.

NM_000492.4(CFTR):c.2416G>T (p.Asp806Tyr)

Gene: CFTR (CF transmembrane conductance regulator; plus strand). Cytogenetic location: 7q31.2.
Variant type: single nucleotide variant.
Coding change: c.2416G>T on transcript NM_000492.4 (MANE Select); coding-DNA position 2416, G replaced by T.
Protein change: p.Asp806Tyr; replaces aspartic acid 806 with tyrosine.
Molecular consequence: missense variant.
Genome position (GRCh38, 1-based): chr7:117,592,583, G>T. VCF-style: chr7-117592583-G-T. GRCh37 (hg19) VCF-style: chr7-117232637-G-T.
Other names: short protein forms D806Y.
Identifiers: ClinVar variation 3491627 (VCV003491627.1).